The following is an entry in ClinVar:

NM_016239.4(MYO15A):c.1210G>A (p.Glu404Lys)

Gene: MYO15A (myosin XVA; plus strand). Cytogenetic location: 17p11.2.
Variant type: single nucleotide variant.
Coding change: c.1210G>A on transcript NM_016239.4 (MANE Select); coding-DNA position 1210, G replaced by A.
Protein change: p.Glu404Lys; replaces glutamic acid 404 with lysine.
Molecular consequence: missense variant.
Genome position (GRCh38, 1-based): chr17:18,120,010, G>A. VCF-style: chr17-18120010-G-A. GRCh37 (hg19) VCF-style: chr17-18023324-G-A.
Other names: short protein forms E404K.
Identifiers: ClinVar variation 1691752 (VCV001691752.5), dbSNP rs780161591, ClinGen allele CA8423054.

ClinVar aggregate classification (germline): Uncertain significance. Review status: criteria provided, multiple submitters, no conflicts (2 of 4 stars). 3 submissions from 3 submitters: Uncertain significance (3). Last evaluated 2026-10-06.

Conditions:
MYO15A-related disorder. Also called: MYO15A-related condition.
Inborn genetic diseases. Identifiers: MedGen C0950123, MeSH D030342.

Allele frequency attached by ClinVar (database versions not stated): ExAC 0.00002; gnomAD exomes 0.00001 and 0.00002; gnomAD 0.00003; TOPMed 0.00008.
gnomAD v4.1: 17 of 1,613,566 alleles (0.0011%); highest among the groups gnomAD compares: Admixed American, 0.01%; no homozygotes.

Submissions (3):

GeneDx
Classification: Uncertain significance. Last evaluated: 2026-10-06. Review status: criteria provided, single submitter. Criteria: GeneDx Variant Classification Process June 2021. Collection method: clinical testing. Allele origin: germline.
Comment: In silico analysis suggests that this missense variant does not alter protein structure/function; Has not been previously published as pathogenic or benign to our knowledge

PreventionGenetics, part of Exact Sciences
Classification: Uncertain significance for MYO15A-related condition. Last evaluated: 2025-10-06. Review status: criteria provided, single submitter. Criteria: ACMG Guidelines, 2015. Collection method: clinical testing. Allele origin: germline.
Comment: The MYO15A c.1210G>A variant is predicted to result in the amino acid substitution p.Glu404Lys. To our knowledge, this variant has not been reported in the literature. This variant is reported in 0.0087% of alleles in individuals of Latino descent in gnomAD. At this time, the clinical significance of this variant is uncertain due to the absence of conclusive functional and genetic evidence.

Ambry Genetics
Classification: Uncertain significance for Inborn genetic diseases. Last evaluated: 2025-06-04. Review status: criteria provided, single submitter. Criteria: Ambry Variant Classification Scheme 2023. Collection method: clinical testing. Allele origin: germline.